The following is an entry in ClinVar:

ClinVar aggregate classification (germline): Uncertain significance. Review status: criteria provided, multiple submitters, no conflicts (2 of 4 stars). 2 submissions from 2 submitters: Uncertain significance (2). Last evaluated 2023-07-17.

Conditions:
Intellectual developmental disorder, X-linked, syndromic, Hackmann-Di Donato type. Also called: MENTAL RETARDATION, X-LINKED, WITH MARFANOID HABITUS, 2. Identifiers: Orphanet 700325, MedGen C5393302, MONDO:0026733, OMIM 301039.

Submissions (2):

Victorian Clinical Genetics Services, Murdoch Childrens Research Institute
Classification: Uncertain significance for Intellectual developmental disorder, X-linked, syndromic, Hackmann-Di Donato type. Last evaluated: 2023-07-17. Review status: criteria provided, single submitter. Criteria: ACMG Guidelines, 2015. Collection method: clinical testing. Allele origin: germline. Inheritance: X-linked recessive inheritance. Affected: yes.
Comment: Based on the classification scheme VCGS_Germline_v1.3.4, this variant is classified as VUS-3A. Following criteria are met: 0105 - The mechanism of disease for this gene is not clearly established. However, loss of function is a likely mechanism (PMID: 31587868). (I) 0109 - This gene is associated with X-linked recessive disease. However, females have been reported as both unaffected, or mildly affected (PMID: 31587868). (I) 0115 - Variants in this gene are known to have variable expressivity (PMID: 31587868). (I) 0200 - Variant is predicted to result in a missense amino acid change from proline to serine. (I) 0253 - This variant is hemizygous. (I) 0301 - Variant is absent from gnomAD (both v2 and v3). (SP) 0502 - Missense variant with conflicting in silico predictions and uninformative conservation. (I) 0602 - Variant is located in a hotspot region or cluster of pathogenic variants, within the NKAP C-terminal domain (PMID: 31587868). (SP) 0705 - No comparable missense variants have previous evidence for pathogenicity. (I) 0807 - This variant has no previous evidence of pathogenicity. (I) 0905 - No published segregation evidence has been identified for this variant. (I) 1007 - No published functional evidence has been identified for this variant. (I) Legend: (SP) - Supporting pathogenic, (I) - Information, (SB) - Supporting benign

GeneDx
Classification: Uncertain significance. Last evaluated: 2023-01-10. Review status: criteria provided, single submitter. Criteria: GeneDx Variant Classification Process June 2021. Collection method: clinical testing. Allele origin: germline. Affected: yes.
Comment: Not observed at significant frequency in large population cohorts (gnomAD); In silico analysis supports that this missense variant has a deleterious effect on protein structure/function; Has not been previously published as pathogenic or benign to our knowledge; Variants in candidate genes are classified as variants of uncertain significance in accordance with ACMG guidelines (Richards et al., 2015)

Literature cited by the submitters: PubMed 31587868 (cited by Victorian Clinical Genetics Services, Murdoch Childrens Research Institute).

NM_024528.4(NKAP):c.994C>T (p.Pro332Ser)

Gene: NKAP (NFKB activating protein; minus strand). Cytogenetic location: Xq24.
Variant type: single nucleotide variant.
Coding change: c.994C>T on transcript NM_024528.4 (MANE Select); coding-DNA position 994, C replaced by T.
Protein change: p.Pro332Ser; replaces proline 332 with serine.
Molecular consequence: missense variant.
Genome position (GRCh38, 1-based): chrX:119,930,095, G>A on the plus strand (C>T on the coding strand, the complement: NKAP is on the minus strand). VCF-style: chrX-119930095-G-A. GRCh37 (hg19) VCF-style: chrX-119064058-G-A.
Other names: short protein forms P332S.
Identifiers: ClinVar variation 3254832 (VCV003254832.2), dbSNP rs2521692723.
Genomic context (GRCh38, chrX:119,930,095, plus strand): 5'-AACCTGAGCATTCAAATGATGCAATTTCTTCACTTGTCAAGCCAATTTCACCTCTTCGTG[G>A]GATACGTTTTCCAGCTTTTACATATTCAGCCATAGCTGCACCTTCACCAGGTAACAGAGC-3'
Protein context (NP_078804.2, residues 322-342): AEYVKAGKRI[Pro332Ser]RRGEIGLTSE